The following is an entry in ClinVar:

NM_000051.4(ATM):c.7388T>A (p.Leu2463Ter)

Genes: C11orf65 (chromosome 11 open reading frame 65; minus strand), ATM (ATM serine/threonine kinase; plus strand). Cytogenetic location: 11q22.3.
Variant type: single nucleotide variant.
Coding change: c.7388T>A on transcript NM_000051.4 (MANE Select); coding-DNA position 7388, T replaced by A.
Protein change: p.Leu2463Ter; replaces leucine 2463 with a stop codon.
Molecular consequence: nonsense. On other transcripts: intron variant (2).
Genome position (GRCh38, 1-based): chr11:108,330,294, T>A. VCF-style: chr11-108330294-T-A. GRCh37 (hg19) VCF-style: chr11-108201021-T-A.
Other names: c.7388T>A, p.Leu2463Ter (NM_001351834.2); c.641-21223A>T (NM_001330368.2); c.*38+4926A>T (NM_001351110.2); short protein forms L2463*.
Identifiers: ClinVar variation 3450805 (VCV003450805.1).

ClinVar aggregate classification (germline): Pathogenic (1 of 4 stars; one submission).

Conditions:
Hereditary cancer-predisposing syndrome. Also called: Tumor predisposition; Hereditary Cancer Syndrome; Neoplastic Syndromes, Hereditary; Hereditary neoplastic syndrome. Identifiers: Orphanet 140162, MedGen C0027672, MeSH D009386, MONDO:0015356.

Submission:

Ambry Genetics
Classification: Pathogenic for Hereditary cancer-predisposing syndrome. Last evaluated: 2024-09-11. Review status: criteria provided, single submitter. Criteria: Ambry Variant Classification Scheme 2023. Collection method: clinical testing. Allele origin: germline.
Comment: The p.L2463* pathogenic mutation (also known as c.7388T>A), located in coding exon 49 of the ATM gene, results from a T to A substitution at nucleotide position 7388. This changes the amino acid from a leucine to a stop codon within coding exon 49. This variant is considered to be rare based on population cohorts in the Genome Aggregation Database (gnomAD). This alteration is expected to result in loss of function by premature protein truncation or nonsense-mediated mRNA decay. As such, this alteration is interpreted as a disease-causing mutation.